The following is an entry in ClinVar:

NM_000183.3(HADHB):c.1137del (p.His379fs)

Gene: HADHB (hydroxyacyl-CoA dehydrogenase trifunctional multienzyme complex subunit beta; plus strand). Cytogenetic location: 2p23.3.
Variant type: Deletion.
Coding change: c.1137del on transcript NM_000183.3 (MANE Select); coding-DNA position 1137, one base deleted (T; older notation c.1137delT).
Protein change: p.His379fs; shifts the reading frame from histidine 379.
Molecular consequence: frameshift variant.
Genome position (GRCh38, 1-based): chr2:26,284,192, T deleted. VCF-style (leftmost placement, unchanged base first): chr2-26284191-AT-A. GRCh37 (hg19) VCF-style: chr2-26507059-AT-A.
Other names: c.1092del, p.His364fs (NM_001281512.2); c.1071del, p.His357fs (NM_001281513.2); short protein forms H357fs, H364fs, H379fs.
Identifiers: ClinVar variation 1806798 (VCV001806798.7), dbSNP rs1558360731, ClinGen allele CA531394845.
Genomic context (GRCh38, chr2:26,284,191, plus strand): 5'-CTCCAAAAGTTCTAGAAAAGGCAGGATTGACCATGAATGATATTGATGCTTTTGAATTTC[AT>A]GAAGCTTTCTCGGTAAGTAATTTGAAAGACACATATGAAGGGACTATAGTCATAAAAAAT-3'

ClinVar aggregate classification (germline): Pathogenic. Review status: criteria provided, multiple submitters, no conflicts (2 of 4 stars). 3 submissions from 3 submitters: Pathogenic (3). Last evaluated 2024-03-23.

Conditions:
Mitochondrial trifunctional protein deficiency 1 (MTPD1). Identifiers: MedGen CN376812, MONDO:0958181, OMIM 609015.
Mitochondrial trifunctional protein deficiency. Identifiers: Orphanet 746, MedGen C1969443, MONDO:0012172.

Allele frequency attached by ClinVar (database versions not stated): gnomAD exomes below 0.00001; TOPMed below 0.00001.

Submissions (3):

Baylor Genetics
Classification: Pathogenic for Mitochondrial trifunctional protein deficiency 1. Last evaluated: 2024-03-23. Review status: criteria provided, single submitter. Criteria: ACMG Guidelines, 2015. Collection method: clinical testing. Allele origin: unknown.

Labcorp Genetics (formerly Invitae), Labcorp
Classification: Pathogenic for Mitochondrial trifunctional protein deficiency. Last evaluated: 2024-01-22. Review status: criteria provided, single submitter. Criteria: Invitae Variant Classification Sherloc (09022015). Collection method: clinical testing. Allele origin: germline.
Comment: This sequence change creates a premature translational stop signal (p.His379Glnfs*76) in the HADHB gene. While this is not anticipated to result in nonsense mediated decay, it is expected to disrupt the last 96 amino acid(s) of the HADHB protein. This variant is present in population databases (no rsID available, gnomAD 0.003%). This premature translational stop signal has been observed in individual(s) with mitochondrial trifunctional protein deficiency (PMID: 21549624). ClinVar contains an entry for this variant (Variation ID: 1806798). This variant disrupts a region of the HADHB protein in which other variant(s) (p.Val455Gly) have been determined to be pathogenic (PMID: 19699128, 19880769; Invitae). This suggests that this is a clinically significant region of the protein, and that variants that disrupt it are likely to be disease-causing. For these reasons, this variant has been classified as Pathogenic.

GeneDx
Classification: Pathogenic. Last evaluated: 2022-06-27. Review status: criteria provided, single submitter. Criteria: GeneDx Variant Classification Process June 2021. Collection method: clinical testing. Allele origin: germline. Affected: yes.
Comment: Frameshift variant predicted to result in protein truncation, as the last 96 amino acids are replaced with 75 different amino acids, and other loss-of-function variants have been reported downstream at GeneDx; Not observed at significant frequency in large population cohorts (gnomAD); This variant is associated with the following publications: (PMID: 21549624)

Literature cited by the submitters: PubMed 21549624 (cited by Labcorp Genetics (formerly Invitae), Labcorp); PubMed 19699128 (cited by Labcorp Genetics (formerly Invitae), Labcorp); PubMed 19880769 (cited by Labcorp Genetics (formerly Invitae), Labcorp).